The following is an entry in ClinVar:

ClinVar aggregate classification (germline): Pathogenic (1 of 4 stars; one submission).

Conditions:
Mucopolysaccharidosis, MPS-II (MPS2). Also called: Hunter Syndrome; IDURONATE 2-SULFATASE DEFICIENCY; Mucopolysaccharidosis Type II; Mucopolysaccharidosis type 2; Attenuated MPS (subtype; formerly known as mild MPS II); Severe MPS II. Identifiers: Orphanet 580, Orphanet 79388, MedGen C0026705, MONDO:0010674, OMIM 309900.

Submission:

Laboratory of Diagnosis and Therapy of Lysosomal Disorders, University of Padova
Classification: Pathogenic for Mucopolysaccharidosis, MPS-II. Last evaluated: 2024-06-07. Review status: criteria provided, single submitter. Criteria: ACMG Guidelines, 2015. Collection method: literature only. Allele origin: germline. Affected: yes. Observed: 1 variant allele.
Comment: Null variant (PVS1_VeryStrong), Absent from controls (or at low frequency) in gnomAD database (PM2_Moderate), Patient’s phenotype or family history highly specific for the disease (PP4_Strong)

Classification method: ACMG Guidelines [PMID:25741868] with modifications

Literature cited by the submitters: PubMed 35005816.

NM_000202.8(IDS):c.76_80dup (p.Glu27fs)

Genes: IDS (iduronate 2-sulfatase; minus strand), LOC130068781 (ATAC-STARR-seq lymphoblastoid active region 30015; plus strand). Cytogenetic location: Xq28.
Variant type: Duplication.
Coding change: c.76_80dup on transcript NM_000202.8 (MANE Select); coding-DNA positions 76 to 80, 5 bases duplicated (TCCGA; older notation c.76_80dupTCCGA).
Protein change: p.Glu27fs; shifts the reading frame from glutamic acid 27.
Molecular consequence: frameshift variant. On other transcripts: 5 prime UTR variant (1), non-coding transcript variant (1).
Genome position (GRCh38, 1-based): chrX:149,505,058-149,505,062, TCGGA duplicated on the plus strand (TCCGA on the coding strand, the reverse complement: IDS is on the minus strand); duplicating any 5 consecutive bases within chrX:149,505,058-149,505,064 gives the same sequence; the c. name uses the placement nearest the transcript's 3' end. VCF-style (leftmost placement, unchanged base first): chrX-149505057-T-TTCGGA. GRCh37 (hg19) VCF-style: chrX-148586587-T-TTCGGA.
Other names: c.-151_-147dup (NM_001166550.4); c.76_80dup, p.Glu27fs (NM_006123.5); short protein forms E27fs.
Identifiers: ClinVar variation 3255665 (VCV003255665.2).